The following is an entry in ClinVar:

NM_182978.4(GNAL):c.1044C>A (p.Thr348=)

Gene: GNAL (G protein subunit alpha L; plus strand). Cytogenetic location: 18p11.21.
Variant type: single nucleotide variant.
Coding change: c.1044C>A on transcript NM_182978.4 (MANE Select); coding-DNA position 1044, C replaced by A.
Protein change: p.Thr348=; no amino-acid change (threonine 348 retained).
Molecular consequence: synonymous variant.
Genome position (GRCh38, 1-based): chr18:11,872,280, C>A. VCF-style: chr18-11872280-C-A. GRCh37 (hg19) VCF-style: chr18-11872279-C-A.
Other names: c.813C>A, p.Thr271= (NM_001142339.3, NM_001261443.2, NM_001369387.1); c.192C>A, p.Thr64= (NM_001261444.2).
Identifiers: ClinVar variation 696397 (VCV000696397.9), dbSNP rs138002804, ClinGen allele CA8894208.

ClinVar aggregate classification (germline): Benign/Likely benign. Review status: criteria provided, multiple submitters, no conflicts (2 of 4 stars). 2 submissions from 2 submitters: Benign (1); Likely benign (1). Last evaluated 2026-04-01.

Conditions:
Dystonic disorder. Also called: Dystonia. Identifiers: MedGen C0013421, MONDO:0003441, HP:0001332.

Allele frequency attached by ClinVar (database versions not stated): gnomAD exomes 0.00004 and 0.00010; 1000 Genomes Project 30x 0.00016; ExAC 0.00016; 1000 Genomes Project 0.00020; gnomAD 0.00047 and 0.00050; TOPMed 0.00056; ESP Exome Variant Server 0.00069.
gnomAD v4.1: 131 of 1,579,780 alleles (0.0083%); highest among the groups gnomAD compares: African/African-American, 0.15%; no homozygotes.

Submissions (2):

CeGaT Center for Human Genetics Tuebingen
Classification: Likely benign. Last evaluated: 2026-04-01. Review status: criteria provided, single submitter. Criteria: CeGaT Center For Human Genetics Tuebingen Variant Classification Criteria Version 2. Collection method: clinical testing. Allele origin: germline. Affected: yes. Observed: 1 variant allele.
Comment: GNAL: BP4, BP7

Labcorp Genetics (formerly Invitae), Labcorp
Classification: Benign for Dystonic disorder. Last evaluated: 2025-07-08. Review status: criteria provided, single submitter. Criteria: Invitae Variant Classification Sherloc (09022015). Collection method: clinical testing. Allele origin: germline.